The following is an entry in ClinVar:

NM_015331.3(NCSTN):c.436+1G>C

Gene: NCSTN (nicastrin; plus strand). Cytogenetic location: 1q23.2.
Variant type: single nucleotide variant.
Coding change: c.436+1G>C on transcript NM_015331.3 (MANE Select); the canonical splice donor site of the intron after coding-DNA position 436, G replaced by C.
Molecular consequence: splice donor variant.
Genome position (GRCh38, 1-based): chr1:160,349,671, G>C. VCF-style: chr1-160349671-G-C. GRCh37 (hg19) VCF-style: chr1-160319461-G-C.
Other names: c.376+1G>C (NM_001290184.2); c.436+1G>C (NM_001349729.2, NM_001290186.2).
Identifiers: ClinVar variation 1492943 (VCV001492943.8), dbSNP rs2101899012, ClinGen allele CA343277478.

ClinVar aggregate classification (germline): Likely pathogenic (1 of 4 stars; one submission).

Allele frequency attached by ClinVar (database versions not stated): gnomAD exomes below 0.00001.
gnomAD v4.1: 1 of 1,613,710 alleles (0.000062%); highest among the groups gnomAD compares: Non-Finnish European, 0.000085%; no homozygotes.

Submission:

Labcorp Genetics (formerly Invitae), Labcorp
Classification: Likely pathogenic. Last evaluated: 2023-01-28. Review status: criteria provided, single submitter. Criteria: Invitae Variant Classification Sherloc (09022015). Collection method: clinical testing. Allele origin: germline.
Comment: This sequence change affects a donor splice site in intron 4 of the NCSTN gene. It is expected to disrupt RNA splicing. Variants that disrupt the donor or acceptor splice site typically lead to a loss of protein function (PMID: 16199547), and loss-of-function variants in NCSTN are known to be pathogenic (PMID: 20929727, 21430701, 22358060). This variant is not present in population databases (gnomAD no frequency). In summary, the currently available evidence indicates that the variant is pathogenic, but additional data are needed to prove that conclusively. Therefore, this variant has been classified as Likely Pathogenic. Algorithms developed to predict the effect of sequence changes on RNA splicing suggest that this variant may disrupt the consensus splice site. ClinVar contains an entry for this variant (Variation ID: 1492943). This variant has not been reported in the literature in individuals affected with NCSTN-related conditions.

Literature cited by the submitters: PubMed 16199547; PubMed 20929727; PubMed 21430701; PubMed 22358060.